The following is an entry in ClinVar:

NM_000051.4(ATM):c.5007G>C (p.Glu1669Asp)

Gene: ATM (ATM serine/threonine kinase; plus strand). Cytogenetic location: 11q22.3.
Variant type: single nucleotide variant.
Coding change: c.5007G>C on transcript NM_000051.4 (MANE Select); coding-DNA position 5007, G replaced by C.
Protein change: p.Glu1669Asp; replaces glutamic acid 1669 with aspartic acid.
Molecular consequence: missense variant.
Genome position (GRCh38, 1-based): chr11:108,299,715, G>C. VCF-style: chr11-108299715-G-C. GRCh37 (hg19) VCF-style: chr11-108170442-G-C.
Other names: c.5007G>C (NM_000051.3); c.5007G>C, p.Glu1669Asp (NM_001351834.2); short protein forms E1669D.
Identifiers: ClinVar variation 1062456 (VCV001062456.10), dbSNP rs2135887789, ClinGen allele CA382539991.

ClinVar aggregate classification (germline): Uncertain significance. Review status: criteria provided, multiple submitters, no conflicts (2 of 4 stars). 2 submissions from 2 submitters: Uncertain significance (2). Last evaluated 2024-11-19.

Conditions:
Hereditary cancer-predisposing syndrome. Also called: Tumor predisposition; Neoplastic Syndromes, Hereditary; Hereditary Cancer Syndrome; Hereditary neoplastic syndrome. Identifiers: Orphanet 140162, MedGen C0027672, MeSH D009386, MONDO:0015356.
Ataxia-telangiectasia syndrome (AT). Also called: ATAXIA-TELANGIECTASIA, FRESNO VARIANT; Ataxia-telangiectasia, complementation group D; AT, COMPLEMENTATION GROUP C; Ataxia-telangiectasia; Ataxia-telangiectasia, complementation group E; Ataxia telangiectasia (A-T). Identifiers: Orphanet 100, MedGen C0004135, MONDO:0008840, OMIM 208900.

Submissions (2):

Ambry Genetics
Classification: Uncertain significance for Hereditary cancer-predisposing syndrome. Last evaluated: 2024-11-19. Review status: criteria provided, single submitter. Criteria: Ambry Variant Classification Scheme 2023. Collection method: clinical testing. Allele origin: germline.
Comment: The p.E1669D variant (also known as c.5007G>C), located in coding exon 33 of the ATM gene, results from a G to C substitution at nucleotide position 5007. The glutamic acid at codon 1669 is replaced by aspartic acid, an amino acid with highly similar properties. This amino acid position is highly conserved in available vertebrate species. In addition, the in silico prediction for this alteration is inconclusive. Based on the available evidence, the clinical significance of this variant remains unclear.

Labcorp Genetics (formerly Invitae), Labcorp
Classification: Uncertain significance for Ataxia-telangiectasia syndrome. Last evaluated: 2022-09-06. Review status: criteria provided, single submitter. Criteria: Invitae Variant Classification Sherloc (09022015). Collection method: clinical testing. Allele origin: germline.
Comment: This sequence change replaces glutamic acid, which is acidic and polar, with aspartic acid, which is acidic and polar, at codon 1669 of the ATM protein (p.Glu1669Asp). This variant is not present in population databases (gnomAD no frequency). This variant has not been reported in the literature in individuals affected with ATM-related conditions. ClinVar contains an entry for this variant (Variation ID: 1062456). Algorithms developed to predict the effect of missense changes on protein structure and function (SIFT, PolyPhen-2, Align-GVGD) all suggest that this variant is likely to be tolerated. In summary, the available evidence is currently insufficient to determine the role of this variant in disease. Therefore, it has been classified as a Variant of Uncertain Significance.